The following is an entry in ClinVar:

NM_004415.4(DSP):c.622G>A (p.Gly208Ser)

Gene: DSP (desmoplakin; plus strand). Cytogenetic location: 6p24.3.
Variant type: single nucleotide variant.
Coding change: c.622G>A on transcript NM_004415.4 (MANE Select); coding-DNA position 622, G replaced by A.
Protein change: p.Gly208Ser; replaces glycine 208 with serine.
Molecular consequence: missense variant.
Genome position (GRCh38, 1-based): chr6:7,562,676, G>A. VCF-style: chr6-7562676-G-A. GRCh37 (hg19) VCF-style: chr6-7562909-G-A.
Other names: c.622G>A, p.Gly208Ser (NM_001008844.3, NM_001319034.2, NM_001406591.1); short protein forms G208S.
Identifiers: ClinVar variation 3906795 (VCV003906795.1).
Genomic context (GRCh38, chr6:7,562,676, plus strand): 5'-CAACAAAGGGCGCCTCTCTTTGTCTTTGTGTCGCAGGCGGAGATGGACATGGTGGCCTGG[G>A]GTGTGGACCTGGCCTCAGTGGAGCAGCACATTAACAGCCACCGGGGCATCCACAACTCCA-3'
Protein context (NP_004406.2, residues 198-218): QRAEMDMVAW[Gly208Ser]VDLASVEQHI

ClinVar aggregate classification (germline): Uncertain significance (1 of 4 stars; one submission).

Submission:

GeneDx
Classification: Uncertain significance. Last evaluated: 2024-12-19. Review status: criteria provided, single submitter. Criteria: GeneDx Variant Classification Process June 2021. Collection method: clinical testing. Allele origin: germline. Affected: yes.
Comment: Not observed at significant frequency in large population cohorts (gnomAD); In silico analysis supports that this missense variant has a deleterious effect on protein structure/function; Has not been previously published as pathogenic or benign to our knowledge